The following is an entry in ClinVar:

ClinVar aggregate classification (germline): Conflicting classifications of pathogenicity. Review status: criteria provided, conflicting classifications (1 of 4 stars). 3 submissions from 3 submitters: Uncertain significance (2); Likely benign (1). Last evaluated 2026-01-14.

Conditions:
Inborn genetic diseases. Identifiers: MedGen C0950123, MeSH D030342.

Allele frequency attached by ClinVar (database versions not stated): gnomAD exomes 0.00001 and 0.00002; ExAC 0.00003; TOPMed 0.00005; gnomAD 0.00009; ESP Exome Variant Server 0.00015.
gnomAD v4.1: 29 of 1,614,134 alleles (0.0018%); highest among the groups gnomAD compares: African/African-American, 0.027%; no homozygotes.

Submissions (3):

Labcorp Genetics (formerly Invitae), Labcorp
Classification: Likely benign. Last evaluated: 2026-01-14. Review status: criteria provided, single submitter. Criteria: Invitae Variant Classification Sherloc (09022015). Collection method: clinical testing. Allele origin: germline.

Ambry Genetics
Classification: Uncertain significance for Inborn genetic diseases. Last evaluated: 2025-09-05. Review status: criteria provided, single submitter. Criteria: Ambry Variant Classification Scheme 2023. Collection method: clinical testing. Allele origin: germline.

GeneDx
Classification: Uncertain significance. Last evaluated: 2024-08-02. Review status: criteria provided, single submitter. Criteria: GeneDx Variant Classification Process June 2021. Collection method: clinical testing. Allele origin: germline. Affected: yes.
Comment: In silico analysis indicates that this missense variant does not alter protein structure/function; Has not been previously published as pathogenic or benign to our knowledge

NM_000124.4(ERCC6):c.1022A>G (p.Gln341Arg)

Gene: ERCC6 (ERCC excision repair 6, chromatin remodeling factor; minus strand). Cytogenetic location: 10q11.23.
Variant type: single nucleotide variant.
Coding change: c.1022A>G on transcript NM_000124.4 (MANE Select); coding-DNA position 1022, A replaced by G.
Protein change: p.Gln341Arg; replaces glutamine 341 with arginine.
Molecular consequence: missense variant.
Genome position (GRCh38, 1-based): chr10:49,524,408, T>C on the plus strand (A>G on the coding strand, the complement: ERCC6 is on the minus strand). VCF-style: chr10-49524408-T-C. GRCh37 (hg19) VCF-style: chr10-50732454-T-C.
Other names: c.1022A>G, p.Gln341Arg (NM_001277058.2, NM_001277059.2, NM_001346440.2); c.1022A>G (NM_000124.2); short protein forms Q341R.
Identifiers: ClinVar variation 1405787 (VCV001405787.9), dbSNP rs367965088, ClinGen allele CA5496400.
Genomic context (GRCh38, chr10:49,524,408, plus strand): 5'-GGCCTCATGTCTGACTCCCAAGGTCTCCTTGCCTTTGGCAATCCCACTTTCCCCTGGAAC[T>C]GCAAAGCCCTCTTCTGGAGTTTCTTGATGTGCTTTTTCAAACGCTCCTCTTTTTTGGACA-3'
Protein context (NP_000115.1, residues 331-351): HIKKLQKRAL[Gln341Arg]FQGKVGLPKA